The following is an entry in ClinVar:

ClinVar aggregate classification (germline): Pathogenic (1 of 4 stars; one submission).

Conditions:
Familial cancer of breast. Also called: Hereditary breast cancer; BREAST CANCER, FAMILIAL; hereditary breast carcinoma. Identifiers: Orphanet 227535, MedGen C0346153, MONDO:0016419, OMIM 114480. Disease mechanism: loss of function.

Submission:

Myriad Genetics, Inc.
Classification: Pathogenic for Familial cancer of breast. Last evaluated: 2023-06-01. Review status: criteria provided, single submitter. Criteria: Myriad Autosomal Dominant, Autosomal Recessive and X-Linked Classification Criteria (2023). Collection method: clinical testing. Allele origin: unknown.
Comment: This variant is considered pathogenic. This variant creates a frameshift predicted to result in premature protein truncation.

NM_032043.3(BRIP1):c.871_872del (p.Asn291fs)

Gene: BRIP1 (BRCA1 interacting DNA helicase 1; minus strand). Cytogenetic location: 17q23.2.
Variant type: Deletion.
Coding change: c.871_872del on transcript NM_032043.3 (MANE Select); coding-DNA positions 871 to 872, 2 bases deleted (AA; older notation c.871_872delAA).
Protein change: p.Asn291fs; shifts the reading frame from asparagine 291.
Molecular consequence: frameshift variant.
Genome position (GRCh38, 1-based): chr17:61,808,513-61,808,514, TT deleted on the plus strand (AA on the coding strand, the reverse complement: BRIP1 is on the minus strand). VCF-style (leftmost placement, unchanged base first): chr17-61808512-GTT-G. GRCh37 (hg19) VCF-style: chr17-59885873-GTT-G.
Other names: short protein forms N291fs.
Identifiers: ClinVar variation 2583433 (VCV002583433.2), dbSNP rs2545193475, ClinGen allele CA2582342233.